The following is an entry in ClinVar:

ClinVar aggregate classification (germline): Benign/Likely benign. Review status: criteria provided, multiple submitters, no conflicts (2 of 4 stars). 4 submissions from 4 submitters: Benign (1); Likely benign (3). Last evaluated 2024-12-31.

Conditions:
Hereditary nonpolyposis colorectal neoplasms. Identifiers: MedGen C0009405, MeSH D003123.
Lynch syndrome. Identifiers: Orphanet 144, MedGen C4552100, MONDO:0005835. Disease mechanism: loss of function.
Lynch syndrome 5 (LYNCH5). Also called: Colorectal cancer, hereditary nonpolyposis, type 5; Hereditary non-polyposis colorectal cancer, type 5. Identifiers: Orphanet 144, MedGen C1833477, MONDO:0013710, OMIM 614350. Disease mechanism: loss of function.
Hereditary cancer-predisposing syndrome. Also called: Hereditary neoplastic syndrome; Hereditary Cancer Syndrome; Neoplastic Syndromes, Hereditary; Tumor predisposition. Identifiers: Orphanet 140162, MedGen C0027672, MeSH D009386, MONDO:0015356.

Submissions (4):

Myriad Genetics, Inc.
Classification: Benign for Lynch syndrome 5. Last evaluated: 2024-12-31. Review status: criteria provided, single submitter. Criteria: Myriad Autosomal Dominant, Autosomal Recessive and X-Linked Classification Criteria (2023). Collection method: clinical testing. Allele origin: unknown.
Comment: This variant is considered benign. This variant is a silent/synonymous amino acid change and it is not expected to impact splicing.

All of Us Research Program, National Institutes of Health
Classification: Likely benign for Lynch syndrome. Last evaluated: 2023-05-04. Review status: criteria provided, single submitter. Criteria: ACMG Guidelines, 2015. Collection method: clinical testing. Allele origin: germline. Inheritance: Autosomal dominant inheritance. Observed: 1 variant allele, 1 heterozygote.
Comment: This study involves interpretation of variants in research participants for the purpose of population health screening. Participant phenotype was not available at the time of variant classification. Additional details can be found in publication PMID: 35346344, PMCID: PMC8962531

Color Diagnostics, LLC DBA Color Health
Classification: Likely benign for Hereditary cancer-predisposing syndrome. Last evaluated: 2023-04-26. Review status: criteria provided, single submitter. Criteria: ACMG Guidelines, 2015. Collection method: clinical testing. Allele origin: germline.

Labcorp Genetics (formerly Invitae), Labcorp
Classification: Likely benign for Hereditary nonpolyposis colorectal neoplasms. Last evaluated: 2023-04-07. Review status: criteria provided, single submitter. Criteria: Invitae Variant Classification Sherloc (09022015). Collection method: clinical testing. Allele origin: germline.

NM_000179.3(MSH6):c.2538A>G (p.Glu846=)

Gene: MSH6 (mutS homolog 6; plus strand). Cytogenetic location: 2p16.3.
Variant type: single nucleotide variant.
Coding change: c.2538A>G on transcript NM_000179.3 (MANE Select); coding-DNA position 2538, A replaced by G.
Protein change: p.Glu846=; no amino-acid change (glutamic acid 846 retained).
Molecular consequence: synonymous variant. On other transcripts: non-coding transcript variant (5), intron variant (3).
Genome position (GRCh38, 1-based): chr2:47,800,521, A>G. VCF-style: chr2-47800521-A-G. GRCh37 (hg19) VCF-style: chr2-48027660-A-G.
Other names: c.2148A>G, p.Glu716= (NM_001281492.2); c.1632A>G, p.Glu544= (NM_001281493.2, NM_001281494.2, NM_001406811.1 and 6 more transcripts); c.2634A>G, p.Glu878= (NM_001406795.1, NM_001406802.1); c.2538A>G, p.Glu846= (NM_001406796.1, NM_001406798.1, NM_001406800.1 and 2 more transcripts); c.2241A>G, p.Glu747= (NM_001406797.1, NM_001406801.1, NM_001406805.1 and 10 more transcripts); c.2013A>G, p.Glu671= (NM_001406799.1, NM_001406806.1, NM_001406807.1); c.2460A>G, p.Glu820= (NM_001406804.1); c.2544A>G, p.Glu848= (NM_001406813.1); and 4 more.
Identifiers: ClinVar variation 2773650 (VCV002773650.7), dbSNP rs2104411549, ClinGen allele CA426121552.